The following continues an entry in ClinVar:

NM_007294.4(BRCA1):c.1971A>G (p.Gln657=)

Gene: BRCA1. ClinVar aggregate classification (germline): Benign. Benign (1).

Submissions 21 to 30 of 30:

Women's Health and Genetics/Laboratory Corporation of America, LabCorp
Classification: Benign for Hereditary breast ovarian cancer syndrome. Last evaluated: 2014-03-05. Review status: criteria provided, single submitter. Criteria: LabCorp Variant Classification Summary - May 2015. Collection method: clinical testing. Allele origin: germline. Not counted in ClinVar's aggregate classification.

GeneDx
Classification: Benign. Last evaluated: 2013-09-17. Review status: criteria provided, single submitter. Criteria: GeneDx Variant Classification (06012015). Collection method: clinical testing. Allele origin: germline. Affected: yes. Not counted in ClinVar's aggregate classification.
Comment: This variant is considered likely benign or benign based on one or more of the following criteria: it is a conservative change, it occurs at a poorly conserved position in the protein, it is predicted to be benign by multiple in silico algorithms, and/or has population frequency not consistent with disease.

Breakthrough Genomics
Classification: Benign. Review status: criteria provided, single submitter. Criteria: ACMG Guidelines, 2015. Collection method: not provided. Allele origin: germline. Inheritance: Autosomal recessive inheritance. Affected: yes. Not counted in ClinVar's aggregate classification.

True Health Diagnostics
Classification: Likely benign for Hereditary cancer-predisposing syndrome. Last evaluated: 2017-09-29. Review status: no assertion criteria provided. Collection method: clinical testing. Allele origin: germline. Not counted in ClinVar's aggregate classification.

Mayo Clinic Laboratories, Mayo Clinic
Classification: Likely benign. Last evaluated: 2017-03-09. Review status: no assertion criteria provided. Collection method: clinical testing. Allele origin: unknown. Not counted in ClinVar's aggregate classification.

Counsyl
Classification: Benign for Breast-ovarian cancer, familial 1. Last evaluated: 2014-01-02. Review status: no assertion criteria provided. Collection method: literature only. Allele origin: unknown. Inheritance: Autosomal dominant inheritance. Not counted in ClinVar's aggregate classification.

Breast Cancer Information Core (BIC) (BRCA1)
Classification: Uncertain significance for Breast-ovarian cancer, familial 1. Last evaluated: 1998-11-17. Review status: no assertion criteria provided. Collection method: clinical testing. Allele origin: germline. Affected: yes. Observed: 1 variant allele. Not counted in ClinVar's aggregate classification.

Clinical Genetics Laboratory, Department of Pathology, Netherlands Cancer Institute
Classification: Benign. Review status: no assertion criteria provided. Collection method: clinical testing. Allele origin: germline. Affected: yes. Study: VKGL Data-share Consensus. Not counted in ClinVar's aggregate classification.

Department of Pathology and Laboratory Medicine, Sinai Health System
Classification: Benign for Malignant tumor of breast. Review status: no assertion criteria provided. Collection method: clinical testing. Allele origin: unknown. Affected: yes. Study: The Canadian Open Genetics Repository (COGR). Not counted in ClinVar's aggregate classification.

Joint Genome Diagnostic Labs from Nijmegen and Maastricht, Radboudumc and MUMC+
Classification: Benign. Review status: no assertion criteria provided. Collection method: clinical testing. Allele origin: germline. Affected: yes. Study: VKGL Data-share Consensus. Not counted in ClinVar's aggregate classification.

Literature cited by the submitters: DOI 10.3389/fgene.2022.834265 (cited by National Health Laboratory Service, Universitas Academic Hospital and University of the Free State); PubMed 36329109 (cited by Genetics Program, Instituto Nacional de Cancer); PubMed 17088437 (cited by Women's Health and Genetics/Laboratory Corporation of America, LabCorp); PubMed 16267036 (cited by Women's Health and Genetics/Laboratory Corporation of America, LabCorp); PubMed 20104584 (cited by Women's Health and Genetics/Laboratory Corporation of America, LabCorp and Counsyl); PubMed 22034289 (cited by Women's Health and Genetics/Laboratory Corporation of America, LabCorp); PubMed 12007222 (cited by Women's Health and Genetics/Laboratory Corporation of America, LabCorp).